The following is an entry in ClinVar:

ClinVar aggregate classification (germline): Likely benign (1 of 4 stars; one submission).

gnomAD v4.1: 54 of 1,592,990 alleles (0.0034%); highest among the groups gnomAD compares: Admixed American, 0.072%; 1 homozygote.

Submission:

CeGaT Center for Human Genetics Tuebingen
Classification: Likely benign. Last evaluated: 2025-11-01. Review status: criteria provided, single submitter. Criteria: CeGaT Center For Human Genetics Tuebingen Variant Classification Criteria Version 2. Collection method: clinical testing. Allele origin: germline. Affected: yes. Observed: 1 variant allele.
Comment: BICRA: BP4, BP7

NM_001394372.1(BICRA):c.4557C>T (p.Pro1519=)

Gene: BICRA (BRD4 interacting chromatin remodeling complex associated protein; plus strand). Cytogenetic location: 19q13.33.
Variant type: single nucleotide variant.
Coding change: c.4557C>T on transcript NM_001394372.1 (MANE Select); coding-DNA position 4557, C replaced by T.
Protein change: p.Pro1519=; no amino-acid change (proline 1519 retained).
Molecular consequence: synonymous variant.
Genome position (GRCh38, 1-based): chr19:47,702,289, C>T. VCF-style: chr19-47702289-C-T. GRCh37 (hg19) VCF-style: chr19-48205546-C-T.
Other names: c.4557C>T, p.Pro1519= (NM_015711.3).
Identifiers: ClinVar variation 4534033 (VCV004534033.6).